The following is an entry in ClinVar:

ClinVar aggregate classification (germline): Pathogenic (1 of 4 stars; one submission).

Conditions:
Hereditary spherocytosis type 1. Also called: Spherocytosis type 1; ANK1-Related Spherocytosis. Identifiers: Orphanet 822, MedGen C2674218, MONDO:0008447, OMIM 182900.

Submission:

Department of Clinical Laboratory, Shenzhen Children's Hospital
Classification: Pathogenic for Hereditary spherocytosis type 1. Last evaluated: 2026-06-01. Review status: criteria provided, single submitter. Criteria: ACMG Guidelines, 2015. Collection method: clinical testing. Allele origin: germline. Affected: yes. Observed: 1 variant allele.
Comment: ACMG criteria: PVS1+PM2+PP4. This frameshift variant results in premature termination at codon 533 (p.Met492Argfs*42), leading to a truncated alpha-spectrin protein. Not present in gnomAD.

NM_003126.4(SPTA1):c.1475del (p.Met492fs)

Gene: SPTA1 (spectrin alpha, erythrocytic 1; minus strand). Cytogenetic location: 1q23.1.
Variant type: Deletion.
Coding change: c.1475del on transcript NM_003126.4 (MANE Select); coding-DNA position 1475, one base deleted (T; older notation c.1475delT).
Protein change: p.Met492fs; shifts the reading frame from methionine 492.
Molecular consequence: frameshift variant.
Genome position (GRCh38, 1-based): chr1:158,672,072, A deleted on the plus strand (T on the coding strand, the reverse complement: SPTA1 is on the minus strand). VCF-style (leftmost placement, unchanged base first): chr1-158672071-CA-C. GRCh37 (hg19) VCF-style: chr1-158641861-CA-C.
Other names: c.1475delT (NM_003126.4); short protein forms M492fs.
Identifiers: ClinVar variation 4884289 (VCV004884289.1).